The following is an entry in ClinVar:

ClinVar aggregate classification (germline): Pathogenic/Likely pathogenic. Review status: criteria provided, multiple submitters, no conflicts (2 of 4 stars). 9 submissions from 9 submitters: Pathogenic (8); Likely pathogenic (1). Last evaluated 2025-12-09.

Conditions:
Cardiovascular phenotype. Identifiers: MedGen CN230736.
Neurofibromatosis, type 1 (NF1). Also called: VON RECKLINGHAUSEN DISEASE; NEUROFIBROMATOSIS, TYPE I, SOMATIC; Peripheral type neurofibromatosis; Neurofibromatosis, type I. Identifiers: Orphanet 636, MedGen C0027831, MONDO:0018975, OMIM 162200. Disease mechanism: loss of function.
Legius syndrome. Identifiers: Orphanet 137605, MedGen C1969623, MONDO:0012669, OMIM 611431. Disease mechanism: loss of function.

Allele frequency attached by ClinVar (database versions not stated): gnomAD exomes below 0.00001.

Submissions (9):

Labcorp Genetics (formerly Invitae), Labcorp
Classification: Pathogenic for Legius syndrome. Last evaluated: 2025-12-09. Review status: criteria provided, single submitter. Criteria: Invitae Variant Classification Sherloc (09022015). Collection method: clinical testing. Allele origin: germline.
Comment: This sequence change creates a premature translational stop signal (p.Gly385Ilefs*20) in the SPRED1 gene. While this is not anticipated to result in nonsense mediated decay, it is expected to disrupt the last 60 amino acid(s) of the SPRED1 protein. This variant is not present in population databases (gnomAD no frequency). This premature translational stop signal has been observed in individual(s) with Legius syndrome (PMID: 17704776, 21089071). Invitae Evidence Modeling of clinical and family history, age, sex, and reported ancestry of multiple individuals with this SPRED1 variant has been performed. This variant is expected to be pathogenic with a positive predictive value of at least 99%. This is a validated machine learning model that incorporates the clinical features of 198,265 individuals referred to our laboratory for SPRED1 testing. ClinVar contains an entry for this variant (Variation ID: 646826). This variant disrupts a region of the SPRED1 protein in which other variant(s) (p.Phe400Valfs*32, p.Cys418Alafs*6, p.Met417Ttrfs*15, p.Arg403Leufs*30) have been determined to be pathogenic (PMID: 19920235; internal data). This suggests that this is a clinically significant region of the protein, and that variants that disrupt it are likely to be disease-causing. For these reasons, this variant has been classified as Pathogenic.

3billion
Classification: Pathogenic for Legius syndrome. Last evaluated: 2025-09-25. Review status: criteria provided, single submitter. Criteria: ACMG Guidelines, 2015. Collection method: clinical testing. Allele origin: germline. Affected: yes.
Comment: The variant is observed at an extremely low frequency in the gnomAD v4.1.0 dataset (total allele frequency: <0.001%). Predicted Consequence/Location: Frameshift: predicted to result in a loss or disruption of normal protein function through protein truncation. The predicted truncated protein may be shortened by more than 10%. The variant has been reported at least twice as pathogenic with clinical assertions and evidence for the classification (ClinVar ID: VCV000646826 /PMID: 17704776 /3billion dataset). Therefore, this variant is classified as Pathogenic according to the recommendation of ACMG/AMP guideline.

GeneDx
Classification: Likely pathogenic. Last evaluated: 2025-03-31. Review status: criteria provided, single submitter. Criteria: GeneDx Variant Classification Process June 2021. Collection method: clinical testing. Allele origin: germline. Affected: yes.
Comment: Frameshift variant predicted to result in abnormal protein length as the last 60 amino acids are replaced with 19 different amino acids, and other similar variants have been reported in HGMD; Identified in patients with multiple cafe-au-lait macules with or without axillary/inguinal freckling referred for genetic testing at GeneDx and in published literature (PMID: 17704776, 21089071, 19920235); Not observed at significant frequency in large population cohorts (gnomAD); This variant is associated with the following publications: (PMID: 17704776, 21089071, 21548021, 19920235)

Variantyx, Inc.
Classification: Pathogenic for Legius syndrome. Last evaluated: 2025-03-04. Review status: criteria provided, single submitter. Criteria: Variantyx Assertion Criteria 2022. Collection method: clinical testing. Allele origin: germline. Inheritance: Autosomal dominant inheritance. Affected: yes.
Comment: This is a frameshift variant in the SPRED1 gene (OMIM: 609291). Pathogenic variants in this gene have been associated with autosomal dominant Legius syndrome. This variant introduces a premature termination codon in exon 7 out of 7and is expected to result in loss of function, which is a known disease mechanism for SPRED1 in this disorder (PMID: 21089071, 17704776, 19443465) (PVS1). This variant has been reported in at least 2 unrelated affected individuals (PMID: 21089071, 19920235 ) (PS4_Moderate) and it has been observed to segregate with disease in at least 3 individuals from one family (PMID: 19920235) (PP1). This variant has a 0.0001% maximum allele frequency in non-founder control populations (PM2). Based on the current evidence, this variant is classified as pathogenic for autosomal dominant Legius syndrome.

Laboratory of Medical Genetics, National & Kapodistrian University of Athens
Classification: Pathogenic for Legius syndrome. Last evaluated: 2023-10-02. Review status: criteria provided, single submitter. Criteria: ACMG Guidelines, 2015. Collection method: clinical testing. Allele origin: germline. Affected: yes.
Comment: PVS1, PM2, PP5 - ClinVar contains an entry for this variant (Variation ID: 646826). Low frequency in gnomAD population databases. Loss-of-function variants in SPED1 are known to be pathogenic (PMID: 21548021).

Cambridge Genomics Laboratory, East Genomic Laboratory Hub, NHS Genomic Medicine Service
Classification: Pathogenic for Neurofibromatosis, type 1. Last evaluated: 2020-06-29. Review status: criteria provided, single submitter. Criteria: ACGS Best Practice Guidelines for Variant Classification in Rare Disease 2020. Collection method: clinical testing. Allele origin: germline. Affected: yes. Observed: 1 variant allele.

Mendelics
Classification: Pathogenic for Legius syndrome. Last evaluated: 2019-05-28. Review status: criteria provided, single submitter. Criteria: Mendelics Assertion Criteria 2017. Collection method: clinical testing. Allele origin: unknown.

CeGaT Center for Human Genetics Tuebingen
Classification: Pathogenic. Last evaluated: 2018-12-01. Review status: criteria provided, single submitter. Criteria: CeGaT Center For Human Genetics Tuebingen Variant Classification Criteria Version 2. Collection method: clinical testing. Allele origin: germline. Affected: yes. Observed: 1 variant allele.

Ambry Genetics
Classification: Pathogenic for Cardiovascular phenotype. Last evaluated: 2016-12-06. Review status: criteria provided, single submitter. Criteria: Ambry Variant Classification Scheme 2023. Collection method: clinical testing. Allele origin: germline.
Comment: The c.1149_1152delAGAG pathogenic mutation, located in coding exon 7 of the SPRED1 gene, results from a deletion of 4 nucleotides at positions 1149 to 1152, causing a translational frameshift with a predicted alternate stop codon (p.G385Ifs*20). This frameshift occurs at the 3' terminus of SPRED1 and impacts the last 60 amino acids of the protein, including the functionally important Sprouty-related domain. This deletion was originally identified in a patient with caf&eacute;-au-lait spots and mild freckling (Brems H et al. Nat. Genet., 2007 Sep;39:1120-6). Subsequently, the same mutation has been reported in multiple patients with clinical features of Legius syndrome (Messiaen L et al. JAMA, 2009 Nov;302:2111-8; Denayer E et al. Hum. Mutat., 2011 Jan;32:E1985-98; Spencer E et al. Am. J. Med. Genet. A, 2011 Jun;155A:1352-9). In addition to the clinical data presented in the literature, this mutation is expected to result in loss of function by premature protein truncation. As such, this alteration is interpreted as a disease-causing mutation.

Literature cited by the submitters: PubMed 17704776 (cited by 4 submitters); PubMed 21089071 (cited by 3 submitters); PubMed 19920235 (cited by 3 submitters); PubMed 19443465 (cited by Variantyx, Inc.); PubMed 21548021 (cited by Ambry Genetics); PubMed 25074460 (cited by Ambry Genetics).

NM_152594.3(SPRED1):c.1149_1152del (p.Gly385fs)

Gene: SPRED1 (sprouty related EVH1 domain containing 1; plus strand). Cytogenetic location: 15q14.
Variant type: Deletion.
Coding change: c.1149_1152del on transcript NM_152594.3 (MANE Select); coding-DNA positions 1149 to 1152, 4 bases deleted (AGAG; older notation c.1149_1152delAGAG).
Protein change: p.Gly385fs; shifts the reading frame from glycine 385.
Molecular consequence: frameshift variant.
Genome position (GRCh38, 1-based): chr15:38,351,478-38,351,481, AGAG deleted. VCF-style (leftmost placement, unchanged base first): chr15-38351477-CAGAG-C. GRCh37 (hg19) VCF-style: chr15-38643678-CAGAG-C.
Other names: c.1149_1152del (NM_152594.2); short protein forms G385fs.
Identifiers: ClinVar variation 646826 (VCV000646826.57), dbSNP rs1595763925, ClinGen allele CA658761255.